The following is an entry in ClinVar:

ClinVar aggregate classification (germline): Uncertain significance (1 of 4 stars; one submission).

Conditions:
Marfan syndrome (MFS). Also called: MARFAN SYNDROME, TYPE I; Marfan syndrome type 1; Marfan's syndrome; Marfan syndrome, classic; FBN1-Related Marfan Syndrome. Identifiers: Orphanet 284963, Orphanet 558, MedGen C0024796, MONDO:0007947, OMIM 154700.
Familial thoracic aortic aneurysm and aortic dissection (TAAD). Also called: Thoracic aortic aneurysms and dissections. Identifiers: Orphanet 91387, MedGen C4707243, MONDO:0019625.

Submission:

Labcorp Genetics (formerly Invitae), Labcorp
Classification: Uncertain significance for Marfan syndrome; Familial thoracic aortic aneurysm and aortic dissection. Last evaluated: 2023-01-14. Review status: criteria provided, single submitter. Criteria: Invitae Variant Classification Sherloc (09022015). Collection method: clinical testing. Allele origin: germline.
Comment: In summary, the available evidence is currently insufficient to determine the role of this variant in disease. Therefore, it has been classified as a Variant of Uncertain Significance. Algorithms developed to predict the effect of sequence changes on RNA splicing suggest that this variant may disrupt the consensus splice site. This variant has not been reported in the literature in individuals affected with FBN1-related conditions. This variant is not present in population databases (gnomAD no frequency). This sequence change falls in intron 2 of the FBN1 gene. It does not directly change the encoded amino acid sequence of the FBN1 protein.

NM_000138.5(FBN1):c.165-14T>A

Gene: FBN1 (fibrillin 1; minus strand). Cytogenetic location: 15q21.1.
Variant type: single nucleotide variant.
Coding change: c.165-14T>A on transcript NM_000138.5 (MANE Select); 14 bases into the intron before coding-DNA position 165, T replaced by A.
Molecular consequence: intron variant.
Genome position (GRCh38, 1-based): chr15:48,613,106, A>T on the plus strand (T>A on the coding strand, the complement: FBN1 is on the minus strand). VCF-style: chr15-48613106-A-T. GRCh37 (hg19) VCF-style: chr15-48905303-A-T.
Other names: c.165-14T>A (NM_001406716.1, NM_001406717.1).
Identifiers: ClinVar variation 2943174 (VCV002943174.3), dbSNP rs2505779375, ClinGen allele CA2740096602.
Genomic context (GRCh38, chr15:48,613,106, plus strand): 5'-ATCCAGGGCAACAGTAAGCATTATAACGTGATCCACAGACATTGGGTCTAAAACAAAAAC[A>T]GAAGAATTCCATACTTTAAAAAAAAGAAGAAGAGGAAGAGATGGCCAAATAAAAGGAAAA-3'